The following is an entry in ClinVar:

NM_000518.5(HBB):c.126_129dup (p.Glu44delinsLeuTer)

Genes: HBB (hemoglobin subunit beta; minus strand), LOC106099062 (HBB recombination region; plus strand), LOC107133510 (origin of replication at HBB; plus strand). Cytogenetic location: 11p15.4.
Variant type: Duplication.
Coding change: c.126_129dup on transcript NM_000518.5 (MANE Select); coding-DNA positions 126 to 129, 4 bases duplicated (CTTT; older notation c.126_129dupCTTT).
Protein change: p.Glu44delinsLeuTer.
Molecular consequence: nonsense.
Genome position (GRCh38, 1-based): chr11:5,226,763-5,226,766, AAAG duplicated on the plus strand (CTTT on the coding strand, the reverse complement: HBB is on the minus strand); duplicating any 4 consecutive bases within chr11:5,226,763-5,226,768 gives the same sequence; the c. name uses the placement nearest the transcript's 3' end. VCF-style (leftmost placement, unchanged base first): chr11-5226762-C-CAAAG. GRCh37 (hg19) VCF-style: chr11-5247992-C-CAAAG.
Identifiers: ClinVar variation 3572115 (VCV003572115.1).

ClinVar aggregate classification (germline): Pathogenic (1 of 4 stars; one submission).

Submission:

Quest Diagnostics Nichols Institute San Juan Capistrano
Classification: Pathogenic. Last evaluated: 2024-11-06. Review status: criteria provided, single submitter. Criteria: Quest Diagnostics criteria. Collection method: clinical testing. Allele origin: unknown.
Comment: The HBB c.126_129dup (p.Glu44Leufs*2) variant alters the translational reading frame of the HBB mRNA and is predicted to cause the premature termination of HBB protein synthesis. To the best of our knowledge, this variant has not been reported in the published literature. It also has not been reported in large, multi-ethnic general populations (Genome Aggregation Database). Based on the available information, this variant is classified as pathogenic.